The following is an entry in ClinVar:

NM_138576.4(BCL11B):c.1237C>G (p.Pro413Ala)

Gene: BCL11B (BCL11 transcription factor B; minus strand). Cytogenetic location: 14q32.2.
Variant type: single nucleotide variant.
Coding change: c.1237C>G on transcript NM_138576.4 (MANE Select); coding-DNA position 1237, C replaced by G.
Protein change: p.Pro413Ala; replaces proline 413 with alanine.
Molecular consequence: missense variant.
Genome position (GRCh38, 1-based): chr14:99,175,599, G>C on the plus strand (C>G on the coding strand, the complement: BCL11B is on the minus strand). VCF-style: chr14-99175599-G-C. GRCh37 (hg19) VCF-style: chr14-99641936-G-C.
Other names: c.1234C>G, p.Pro412Ala (NM_001282237.2); c.1021C>G, p.Pro341Ala (NM_001282238.2); c.1024C>G, p.Pro342Ala (NM_022898.3); short protein forms P341A, P342A, P412A, P413A.
Identifiers: ClinVar variation 4808210 (VCV004808210.1).

ClinVar aggregate classification (germline): Uncertain significance (1 of 4 stars; one submission).

Submission:

Labcorp Genetics (formerly Invitae), Labcorp
Classification: Uncertain significance. Last evaluated: 2025-03-16. Review status: criteria provided, single submitter. Criteria: Invitae Variant Classification Sherloc (09022015). Collection method: clinical testing. Allele origin: germline.
Comment: This sequence change replaces proline, which is neutral and non-polar, with alanine, which is neutral and non-polar, at codon 413 of the BCL11B protein (p.Pro413Ala). This variant is not present in population databases (gnomAD no frequency). This variant has not been reported in the literature in individuals affected with BCL11B-related conditions. Invitae Evidence Modeling of protein sequence and biophysical properties (such as structural, functional, and spatial information, amino acid conservation, physicochemical variation, residue mobility, and thermodynamic stability) indicates that this missense variant is not expected to disrupt BCL11B protein function with a negative predictive value of 95%. In summary, the available evidence is currently insufficient to determine the role of this variant in disease. Therefore, it has been classified as a Variant of Uncertain Significance.